The following is an entry in ClinVar:

NM_033310.3(KCNK4):c.968C>T (p.Pro323Leu)

Genes: KCNK4-CATSPERZ (KCNK4-CATSPERZ readthrough (NMD candidate); plus strand), KCNK4 (potassium two pore domain channel subfamily K member 4; plus strand). Cytogenetic location: 11q13.1.
Variant type: single nucleotide variant.
Coding change: c.968C>T on transcript NM_033310.3 (MANE Select); coding-DNA position 968, C replaced by T.
Protein change: p.Pro323Leu; replaces proline 323 with leucine.
Molecular consequence: missense variant. On other transcripts: non-coding transcript variant (3).
Genome position (GRCh38, 1-based): chr11:64,299,512, C>T. VCF-style: chr11-64299512-C-T. GRCh37 (hg19) VCF-style: chr11-64066984-C-T.
Other names: c.968C>T, p.Pro323Leu (NM_001317090.2, NM_033311.1); short protein forms P323L.
Identifiers: ClinVar variation 2113280 (VCV002113280.5), dbSNP rs752675226, ClinGen allele CA381068314.

ClinVar aggregate classification (germline): Uncertain significance. Review status: criteria provided, multiple submitters, no conflicts (2 of 4 stars). 2 submissions from 2 submitters: Uncertain significance (2). Last evaluated 2023-10-03.

Submissions (2):

Labcorp Genetics (formerly Invitae), Labcorp
Classification: Uncertain significance. Last evaluated: 2023-10-03. Review status: criteria provided, single submitter. Criteria: Invitae Variant Classification Sherloc (09022015). Collection method: clinical testing. Allele origin: germline.
Comment: This sequence change replaces proline, which is neutral and non-polar, with leucine, which is neutral and non-polar, at codon 323 of the KCNK4 protein (p.Pro323Leu). This variant is present in population databases (no rsID available, gnomAD 0.006%). This variant has not been reported in the literature in individuals affected with KCNK4-related conditions. ClinVar contains an entry for this variant (Variation ID: 2113280). An algorithm developed to predict the effect of missense changes on protein structure and function (PolyPhen-2) suggests that this variant is likely to be tolerated. In summary, the available evidence is currently insufficient to determine the role of this variant in disease. Therefore, it has been classified as a Variant of Uncertain Significance.

Ambry Genetics
Classification: Uncertain significance. Last evaluated: 2021-12-13. Review status: criteria provided, single submitter. Criteria: Ambry Variant Classification Scheme 2023. Collection method: clinical testing. Allele origin: germline.